The following is an entry in ClinVar:

NM_001077350.3(NPRL3):c.1646G>T (p.Ser549Ile)

Gene: NPRL3 (NPR3 like, GATOR1 complex subunit; minus strand). Cytogenetic location: 16p13.3.
Variant type: single nucleotide variant.
Coding change: c.1646G>T on transcript NM_001077350.3 (MANE Select); coding-DNA position 1646, G replaced by T.
Protein change: p.Ser549Ile; replaces serine 549 with isoleucine.
Molecular consequence: missense variant.
Genome position (GRCh38, 1-based): chr16:86,769, C>A on the plus strand (G>T on the coding strand, the complement: NPRL3 is on the minus strand). VCF-style: chr16-86769-C-A. GRCh37 (hg19) VCF-style: chr16-136768-C-A.
Other names: c.1109G>T, p.Ser370Ile (NM_001039476.3); c.1412G>T, p.Ser471Ile (NM_001243247.2); c.1571G>T, p.Ser524Ile (NM_001243248.2, NM_001243249.2); short protein forms S370I, S471I, S524I, S549I.
Identifiers: ClinVar variation 3384425 (VCV003384425.1).

ClinVar aggregate classification (germline): Uncertain significance (1 of 4 stars; one submission).

Submission:

GeneDx
Classification: Uncertain significance. Last evaluated: 2024-05-24. Review status: criteria provided, single submitter. Criteria: GeneDx Variant Classification Process June 2021. Collection method: clinical testing. Allele origin: germline. Affected: yes.
Comment: Not observed at significant frequency in large population cohorts (gnomAD); In silico analysis supports that this missense variant has a deleterious effect on protein structure/function; Has not been previously published as pathogenic or benign to our knowledge